The following is an entry in ClinVar:

NM_014633.5(CTR9):c.521T>A (p.Phe174Tyr)

Gene: CTR9 (CTR9 component of Paf1/RNA polymerase II complex; plus strand). Cytogenetic location: 11p15.4.
Variant type: single nucleotide variant.
Coding change: c.521T>A on transcript NM_014633.5 (MANE Select); coding-DNA position 521, T replaced by A.
Protein change: p.Phe174Tyr; replaces phenylalanine 174 with tyrosine.
Molecular consequence: missense variant.
Genome position (GRCh38, 1-based): chr11:10,756,767, T>A. VCF-style: chr11-10756767-T-A. GRCh37 (hg19) VCF-style: chr11-10778314-T-A.
Other names: c.521T>A, p.Phe174Tyr (NM_001346279.2); short protein forms F174Y.
Identifiers: ClinVar variation 2816151 (VCV002816151.3), dbSNP rs2539372059, ClinGen allele CA379661271.
Genomic context (GRCh38, chr11:10,756,767, plus strand): 5'-CCTTTAATCAGACACTGTGTTTATTTTTAAAAATCATTACAGGTAAAGCTTGCATTTCCT[T>A]CAACAAGAAGGATTACAGAGGAGCTCTTGCTTACTATAAGAAAGCATTGCGTACTAACCC-3'
Protein context (NP_055448.1, residues 164-184): PALLGKACIS[Phe174Tyr]NKKDYRGALA

ClinVar aggregate classification (germline): Uncertain significance (1 of 4 stars; one submission).

Submission:

Labcorp Genetics (formerly Invitae), Labcorp
Classification: Uncertain significance. Last evaluated: 2022-11-23. Review status: criteria provided, single submitter. Criteria: Invitae Variant Classification Sherloc (09022015). Collection method: clinical testing. Allele origin: germline.
Comment: In summary, the available evidence is currently insufficient to determine the role of this variant in disease. Therefore, it has been classified as a Variant of Uncertain Significance. Algorithms developed to predict the effect of missense changes on protein structure and function are either unavailable or do not agree on the potential impact of this missense change (SIFT: "Tolerated"; PolyPhen-2: "Possibly Damaging"; Align-GVGD: "Class C0"). This variant has not been reported in the literature in individuals affected with CTR9-related conditions. This variant is not present in population databases (gnomAD no frequency). This sequence change replaces phenylalanine, which is neutral and non-polar, with tyrosine, which is neutral and polar, at codon 174 of the CTR9 protein (p.Phe174Tyr).